The following is an entry in ClinVar:

NM_006876.3(B4GAT1):c.924G>A (p.Pro308=)

Gene: B4GAT1 (beta-1,4-glucuronyltransferase 1; minus strand). Cytogenetic location: 11q13.2.
Variant type: single nucleotide variant.
Coding change: c.924G>A on transcript NM_006876.3 (MANE Select); coding-DNA position 924, G replaced by A.
Protein change: p.Pro308=; no amino-acid change (proline 308 retained).
Molecular consequence: synonymous variant.
Genome position (GRCh38, 1-based): chr11:66,346,622, C>T on the plus strand (G>A on the coding strand, the complement: B4GAT1 is on the minus strand). VCF-style: chr11-66346622-C-T. GRCh37 (hg19) VCF-style: chr11-66114093-C-T.
Identifiers: ClinVar variation 510922 (VCV000510922.19), dbSNP rs200574075, ClinGen allele CA6120495.
Genomic context (GRCh38, chr11:66,346,622, plus strand): 5'-GAATGGCTCCCAGGGGTCCTGCCAAGGTACCACGTAGGCGGGCCGCAGCAAGCTCTCTTC[C>T]GGCAGGTTGACCCAGCGGGAATAGTTGGTGGGTGCCTGGCAGGGGGTGCACAACCCATAA-3'
Protein context (NP_006867.1, residues 298-318): PTNYSRWVNL[Pro308=]EESLLRPAYV

ClinVar aggregate classification (germline): Likely benign. Review status: criteria provided, multiple submitters, no conflicts (2 of 4 stars). 5 submissions from 5 submitters: Likely benign (5). Last evaluated 2026-01-15.

Conditions:
Muscular dystrophy-dystroglycanopathy (congenital with brain and eye anomalies), type A13. Also called: WALKER-WARBURG SYNDROME OR MUSCLE-EYE-BRAIN DISEASE, B3GNT1-RELATED; Muscular dystrophy-dystroglycanopathy (congenital with brain and eye anomalies), type a, 13. Identifiers: Orphanet 899, MedGen C3809042, MONDO:0014120, OMIM 615287.
B4GAT1-related disorder. Also called: B4GAT1-related condition.

Allele frequency attached by ClinVar (database versions not stated): gnomAD 0.00007 and 0.00011; TOPMed 0.00013; 1000 Genomes Project 30x 0.00016; gnomAD exomes 0.00019 and 0.00029; 1000 Genomes Project 0.00020; ExAC 0.00028.
gnomAD v4.1: 307 of 1,613,888 alleles (0.019%); highest among the groups gnomAD compares: Middle Eastern, 0.2%; 1 homozygote.

Submissions (5):

Labcorp Genetics (formerly Invitae), Labcorp
Classification: Likely benign for Muscular dystrophy-dystroglycanopathy (congenital with brain and eye anomalies), type A13. Last evaluated: 2026-01-15. Review status: criteria provided, single submitter. Criteria: Invitae Variant Classification Sherloc (09022015). Collection method: clinical testing. Allele origin: germline.

PreventionGenetics, part of Exact Sciences
Classification: Likely benign for B4GAT1-related condition. Last evaluated: 2024-11-05. Review status: criteria provided, single submitter. Criteria: ACMG Guidelines, 2015. Collection method: clinical testing. Allele origin: germline.
Comment: This variant is classified as likely benign based on ACMG/AMP sequence variant interpretation guidelines (Richards et al. 2015 PMID: 25741868, with internal and published modifications).

Blueprint Genetics
Classification: Likely benign. Last evaluated: 2023-12-22. Review status: criteria provided, single submitter. Criteria: ACMG Guidelines, 2015. Collection method: clinical testing. Allele origin: germline.

GeneDx
Classification: Likely benign. Last evaluated: 2020-02-27. Review status: criteria provided, single submitter. Criteria: GeneDx Variant Classification Process June 2021. Collection method: clinical testing. Allele origin: germline. Affected: yes.

Genetic Services Laboratory, University of Chicago
Classification: Likely benign. Last evaluated: 2018-09-17. Review status: criteria provided, single submitter. Criteria: ACMG Guidelines, 2015. Collection method: clinical testing. Allele origin: germline. Affected: no.